The following is an entry in ClinVar:

NM_005862.3(STAG1):c.1813A>G (p.Ser605Gly)

Gene: STAG1 (STAG1 cohesin complex component; minus strand). Cytogenetic location: 3q22.3.
Variant type: single nucleotide variant.
Coding change: c.1813A>G on transcript NM_005862.3 (MANE Select); coding-DNA position 1813, A replaced by G.
Protein change: p.Ser605Gly; replaces serine 605 with glycine.
Molecular consequence: missense variant.
Genome position (GRCh38, 1-based): chr3:136,422,788, T>C on the plus strand (A>G on the coding strand, the complement: STAG1 is on the minus strand). VCF-style: chr3-136422788-T-C. GRCh37 (hg19) VCF-style: chr3-136141630-T-C.
Other names: short protein forms S605G.
Identifiers: ClinVar variation 4847173 (VCV004847173.1).

ClinVar aggregate classification (germline): Uncertain significance (1 of 4 stars; one submission).

Submission:

Women's Health and Genetics/Laboratory Corporation of America, LabCorp
Classification: Uncertain significance. Last evaluated: 2026-03-17. Review status: criteria provided, single submitter. Criteria: LabCorp Variant Classification Summary - May 2015. Collection method: clinical testing. Allele origin: germline.
Comment: Variant summary: STAG1 c.1813A>G (p.Ser605Gly) results in a non-conservative amino acid change in the encoded protein sequence. Algorithms developed to predict the effect of missense changes on protein structure and function are either unavailable or do not agree on the potential impact of this missense change. The frequency data for this variant in gnomAD is considered unreliable, as metrics indicate poor data quality at this position. To our knowledge, no occurrence of c.1813A>G in individuals affected with STAG1-related conditions and no experimental evidence demonstrating its impact on protein function have been reported. No submitters have cited clinical-significance assessments for this variant to ClinVar. Based on the evidence outlined above, the variant was classified as uncertain significance.